The following is an entry in ClinVar:

NM_000368.5(TSC1):c.2042-5A>C

Gene: TSC1 (TSC complex subunit 1; minus strand). Cytogenetic location: 9q34.13.
Variant type: single nucleotide variant.
Coding change: c.2042-5A>C on transcript NM_000368.5 (MANE Select); 5 bases into the intron before coding-DNA position 2042, A replaced by C.
Molecular consequence: intron variant.
Genome position (GRCh38, 1-based): chr9:132,903,822, T>G on the plus strand (A>C on the coding strand, the complement: TSC1 is on the minus strand). VCF-style: chr9-132903822-T-G. GRCh37 (hg19) VCF-style: chr9-135779209-T-G.
Other names: c.1676-5A>C (NM_001406620.1, NM_001406625.1, NM_001406621.1 and 2 more transcripts); c.1679-5A>C (NM_001406618.1, NM_001406617.1, NM_001406619.1 and 5 more transcripts); c.1886-5A>C (NM_001406613.1, NM_001406612.1, NM_001406611.1); c.1889-5A>C (NM_001406610.1, NM_001162427.2); c.1088-5A>C (NM_001406627.1, NM_001406628.1); c.989-5A>C (NM_001406629.1, NM_001406630.1); c.2039-20A>C (NM_001406603.1, NM_001406604.1); c.2039-5A>C (NM_001406609.1, NM_001406597.1, NM_001406600.1 and 4 more transcripts); and 3 more.
Identifiers: ClinVar variation 4071228 (VCV004071228.1).

ClinVar aggregate classification (germline): Likely benign (1 of 4 stars; one submission).

Conditions:
Tuberous sclerosis 1 (TSC1). Identifiers: Orphanet 805, MedGen C1854465, MONDO:0008612, OMIM 191100.

Submission:

Myriad Genetics, Inc.
Classification: Likely benign for Tuberous sclerosis 1. Last evaluated: 2025-04-24. Review status: criteria provided, single submitter. Criteria: Myriad Autosomal Dominant, Autosomal Recessive and X-Linked Classification Criteria (2023). Collection method: clinical testing. Allele origin: unknown.
Comment: This variant is considered likely benign. This variant is intronic and is not expected to impact mRNA splicing.